The following is an entry in ClinVar:

ClinVar aggregate classification (germline): Uncertain significance (1 of 4 stars; one submission).

Conditions:
Tuberous sclerosis 2 (TSC2). Identifiers: Orphanet 805, MedGen C1860707, MONDO:0013199, OMIM 613254.

Submission:

Labcorp Genetics (formerly Invitae), Labcorp
Classification: Uncertain significance for Tuberous sclerosis 2. Last evaluated: 2023-10-04. Review status: criteria provided, single submitter. Criteria: Invitae Variant Classification Sherloc (09022015). Collection method: clinical testing. Allele origin: germline.
Comment: This sequence change falls in intron 37 of the TSC2 gene. It does not directly change the encoded amino acid sequence of the TSC2 protein. It affects a nucleotide within the consensus splice site. This variant is not present in population databases (gnomAD no frequency). This variant has not been reported in the literature in individuals affected with TSC2-related conditions. Variants that disrupt the consensus splice site are a relatively common cause of aberrant splicing (PMID: 17576681, 9536098). Algorithms developed to predict the effect of sequence changes on RNA splicing suggest that this variant is not likely to affect RNA splicing. In summary, the available evidence is currently insufficient to determine the role of this variant in disease. Therefore, it has been classified as a Variant of Uncertain Significance.

Literature cited by the submitters: PubMed 17576681; PubMed 9536098.

NM_000548.5(TSC2):c.4849+6G>T

Gene: TSC2 (TSC complex subunit 2; plus strand). Cytogenetic location: 16p13.3.
Variant type: single nucleotide variant.
Coding change: c.4849+6G>T on transcript NM_000548.5 (MANE Select); 6 bases into the intron after coding-DNA position 4849, G replaced by T.
Molecular consequence: intron variant.
Genome position (GRCh38, 1-based): chr16:2,086,385, G>T. VCF-style: chr16-2086385-G-T. GRCh37 (hg19) VCF-style: chr16-2136386-G-T.
Other names: c.3307+6G>T (NM_001406693.1, NM_001406692.1, NM_001406694.1); c.4741+6G>T (NM_001406667.1); c.4738+6G>T (NM_001406668.1); c.4249+6G>T (NM_001406680.1); c.4180+6G>T (NM_001406683.1, NM_001406682.1); c.4048+6G>T (NM_001406687.1, NM_001406688.1); c.3436+6G>T (NM_001406689.1); c.3376+6G>T (NM_001406690.1); and 26 more.
Identifiers: ClinVar variation 2763347 (VCV002763347.3), dbSNP rs2544382798, ClinGen allele CA2697549434.